The following is an entry in ClinVar:

NM_004366.6(CLCN2):c.952C>T (p.Leu318=)

Gene: CLCN2 (chloride voltage-gated channel 2; minus strand). Cytogenetic location: 3q27.1.
Variant type: single nucleotide variant.
Coding change: c.952C>T on transcript NM_004366.6 (MANE Select); coding-DNA position 952, C replaced by T.
Protein change: p.Leu318=; no amino-acid change (leucine 318 retained).
Molecular consequence: synonymous variant.
Genome position (GRCh38, 1-based): chr3:184,357,213, G>A on the plus strand (C>T on the coding strand, the complement: CLCN2 is on the minus strand). VCF-style: chr3-184357213-G-A. GRCh37 (hg19) VCF-style: chr3-184075001-G-A.
Other names: c.952C>T, p.Leu318= (NM_001171087.3, NM_001171089.3); c.820C>T, p.Leu274= (NM_001171088.3).
Identifiers: ClinVar variation 2765573 (VCV002765573.5), dbSNP rs2474254636, ClinGen allele CA437168002.

ClinVar aggregate classification (germline): Uncertain significance. Review status: criteria provided, multiple submitters, no conflicts (2 of 4 stars). 2 submissions from 2 submitters: Uncertain significance (2). Last evaluated 2023-07-29.

Conditions:
Familial hyperaldosteronism type II. Also called: FH II. Identifiers: Orphanet 404, MedGen C1854107, MONDO:0011576, OMIM 605635.
Epilepsy, idiopathic generalized, susceptibility to, 11 (EIG11). Identifiers: Orphanet 307, MedGen C2750893, MONDO:0011875, OMIM 607628.
Leukoencephalopathy with mild cerebellar ataxia and white matter edema (LKPAT). Also called: Leukoencephalopathy with white matter edema; Brain white matter edema; CLCN2-Related Leukoencephalopathy; Leukoencephalopathy with ataxia. Identifiers: Orphanet 363540, MedGen C4554120, MONDO:0014292, OMIM 615651. Disease mechanism: loss of function.

Submissions (2):

Labcorp Genetics (formerly Invitae), Labcorp
Classification: Uncertain significance. Last evaluated: 2023-07-29. Review status: criteria provided, single submitter. Criteria: Invitae Variant Classification Sherloc (09022015). Collection method: clinical testing. Allele origin: germline.
Comment: This sequence change affects codon 318 of the CLCN2 mRNA. It is a 'silent' change, meaning that it does not change the encoded amino acid sequence of the CLCN2 protein. This variant is not present in population databases (gnomAD no frequency). This variant has not been reported in the literature in individuals affected with CLCN2-related conditions. Algorithms developed to predict the effect of sequence changes on RNA splicing suggest that this variant may create or strengthen a splice site. In summary, the available evidence is currently insufficient to determine the role of this variant in disease. Therefore, it has been classified as a Variant of Uncertain Significance.

Juno Genomics, Hangzhou Juno Genomics, Inc
Classification: Uncertain significance for Epilepsy, idiopathic generalized, susceptibility to, 11; Familial hyperaldosteronism type II; Leukoencephalopathy with mild cerebellar ataxia and white matter edema. Review status: criteria provided, single submitter. Criteria: ACMG Guidelines, 2015. Collection method: clinical testing. Allele origin: germline.
Comment: Absent from controls (or at extremely low frequency if recessive) in Genome Aggregation Database.;Multiple lines of computational evidence support a deleterious effect on the gene or gene product.